The following is an entry in ClinVar:

ClinVar aggregate classification (germline): Uncertain significance. Review status: criteria provided, multiple submitters, no conflicts (2 of 4 stars). 2 submissions from 2 submitters: Uncertain significance (2). Last evaluated 2025-08-24.

Conditions:
Epidermolysis bullosa simplex 5B, with muscular dystrophy (EBS5B). Also called: EPIDERMOLYSIS BULLOSA SIMPLEX AND LIMB-GIRDLE MUSCULAR DYSTROPHY; Epidermolysis bullosa simplex with muscular dystrophy. Identifiers: Orphanet 257, MedGen C2931072, MONDO:0009181, OMIM 226670.
Epidermolysis bullosa simplex, Ogna type (EBS5A). Also called: Pidermolysis bullosa simplex 5A, Ogna type; EPIDERMOLYSIS BULLOSA SIMPLEX 5A, OGNA TYPE. Identifiers: Orphanet 79401, MedGen C0432317, MONDO:0007555, OMIM 131950.
Autosomal recessive limb-girdle muscular dystrophy type 2Q (LGMDR17). Also called: MUSCULAR DYSTROPHY, LIMB-GIRDLE, AUTOSOMAL RECESSIVE 17. Identifiers: Orphanet 254361, MedGen C3150989, MONDO:0013390, OMIM 613723.
Epidermolysis bullosa simplex 5C, with pyloric atresia (EBS5C). Also called: Epidermolysis bullosa simplex with pyloric atresia; PLEC1-Related Epidermolysis Bullosa with Pyloric Atresia; PLEC-Related Epidermolysis Bullosa with Pyloric Atresia. Identifiers: Orphanet 158684, MedGen C2677349, MONDO:0012807, OMIM 612138.
Epidermolysis bullosa simplex with nail dystrophy (EBS5D). Identifiers: MedGen C4225309, MONDO:0014661, OMIM 616487.

Allele frequency attached by ClinVar (database versions not stated): gnomAD exomes 0.00001 and 0.00003; gnomAD 0.00002 and 0.00003; ExAC 0.00003; TOPMed 0.00003.
gnomAD v4.1: 54 of 1,607,500 alleles (0.0034%); highest among the groups gnomAD compares: Non-Finnish European, 0.0036%; no homozygotes.

Submissions (2):

Labcorp Genetics (formerly Invitae), Labcorp
Classification: Uncertain significance for Autosomal recessive limb-girdle muscular dystrophy type 2Q; Epidermolysis bullosa simplex, Ogna type; Epidermolysis bullosa simplex with nail dystrophy; Epidermolysis bullosa simplex 5C, with pyloric atresia; Epidermolysis bullosa simplex 5B, with muscular dystrophy. Last evaluated: 2025-08-24. Review status: criteria provided, single submitter. Criteria: Invitae Variant Classification Sherloc (09022015). Collection method: clinical testing. Allele origin: germline.
Comment: This sequence change replaces arginine, which is basic and polar, with cysteine, which is neutral and slightly polar, at codon 2534 of the PLEC protein (p.Arg2534Cys). The frequency data for this variant in the population databases is considered unreliable, as metrics indicate poor data quality at this position in the gnomAD database. This variant has not been reported in the literature in individuals affected with PLEC-related conditions. ClinVar contains an entry for this variant (Variation ID: 500390). Invitae Evidence Modeling of protein sequence and biophysical properties (such as structural, functional, and spatial information, amino acid conservation, physicochemical variation, residue mobility, and thermodynamic stability) indicates that this missense variant is not expected to disrupt PLEC protein function with a negative predictive value of 80%. In summary, the available evidence is currently insufficient to determine the role of this variant in disease. Therefore, it has been classified as a Variant of Uncertain Significance.

Eurofins Ntd Llc (ga)
Classification: Uncertain significance. Last evaluated: 2017-02-08. Review status: criteria provided, single submitter. Criteria: EGL Classification Definitions 2015. Collection method: clinical testing. Allele origin: germline. Observed: 1 variant allele, 1 heterozygote.

NM_201384.3(PLEC):c.7519C>T (p.Arg2507Cys)

Gene: PLEC (plectin; minus strand). Cytogenetic location: 8q24.3.
Variant type: single nucleotide variant.
Coding change: c.7519C>T on transcript NM_201384.3 (MANE Select); coding-DNA position 7519, C replaced by T.
Protein change: p.Arg2507Cys; replaces arginine 2507 with cysteine.
Molecular consequence: missense variant.
Genome position (GRCh38, 1-based): chr8:143,922,302, G>A on the plus strand (C>T on the coding strand, the complement: PLEC is on the minus strand). VCF-style: chr8-143922302-G-A. GRCh37 (hg19) VCF-style: chr8-144996470-G-A.
Other names: c.7600C>T, p.Arg2534Cys (NM_000445.5); c.7477C>T, p.Arg2493Cys (NM_201378.4); c.7453C>T, p.Arg2485Cys (NM_201379.3); c.7930C>T, p.Arg2644Cys (NM_201380.4); c.7423C>T, p.Arg2475Cys (NM_201381.3); c.7519C>T, p.Arg2507Cys (NM_201382.4); c.7531C>T, p.Arg2511Cys (NM_201383.3); short protein forms R2475C, R2485C, R2493C, R2507C, R2511C, R2534C, R2644C.
Identifiers: ClinVar variation 500390 (VCV000500390.10), dbSNP rs782503698, ClinGen allele CA4925597.